The following is an entry in ClinVar:

ClinVar aggregate classification (germline): Uncertain significance (1 of 4 stars; one submission).

Conditions:
Baller-Gerold syndrome (BGS). Also called: CRANIOSYNOSTOSIS WITH RADIAL DEFECTS. Identifiers: Orphanet 1225, MedGen C0265308, MONDO:0009039, OMIM 218600.

Submission:

Labcorp Genetics (formerly Invitae), Labcorp
Classification: Uncertain significance for Baller-Gerold syndrome. Last evaluated: 2022-07-27. Review status: criteria provided, single submitter. Criteria: Invitae Variant Classification Sherloc (09022015). Collection method: clinical testing. Allele origin: germline.
Comment: Experimental studies and prediction algorithms are not available or were not evaluated, and the functional significance of this variant is currently unknown. In summary, the available evidence is currently insufficient to determine the role of this variant in disease. Therefore, it has been classified as a Variant of Uncertain Significance. This sequence change replaces serine, which is neutral and polar, with threonine, which is neutral and polar, at codon 984 of the RECQL4 protein (p.Ser984Thr). This variant is not present in population databases (gnomAD no frequency). This variant has not been reported in the literature in individuals affected with RECQL4-related conditions.

NM_004260.4(RECQL4):c.2950T>A (p.Ser984Thr)

Gene: RECQL4 (RecQ like helicase 4; minus strand). Cytogenetic location: 8q24.3.
Variant type: single nucleotide variant.
Coding change: c.2950T>A on transcript NM_004260.4 (MANE Select); coding-DNA position 2950, T replaced by A.
Protein change: p.Ser984Thr; replaces serine 984 with threonine.
Molecular consequence: missense variant.
Genome position (GRCh38, 1-based): chr8:144,512,497, A>T on the plus strand (T>A on the coding strand, the complement: RECQL4 is on the minus strand). VCF-style: chr8-144512497-A-T. GRCh37 (hg19) VCF-style: chr8-145737880-A-T.
Other names: c.2656T>A, p.Ser886Thr (NM_001413017.1); c.2752T>A, p.Ser918Thr (NM_001413018.1); c.3025T>A, p.Ser1009Thr (NM_001413019.1); c.2854T>A, p.Ser952Thr (NM_001413020.1); c.1879T>A, p.Ser627Thr (NM_001413021.1, NM_001413022.1, NM_001413024.1 and 4 more transcripts); c.1954T>A, p.Ser652Thr (NM_001413023.1); c.2821T>A, p.Ser941Thr (NM_001413025.1); c.1813T>A, p.Ser605Thr (NM_001413027.1, NM_001413030.1, NM_001413032.1); and 9 more; short protein forms S1009T, S495T, S561T, S583T, S605T, S617T, S627T, S630T.
Identifiers: ClinVar variation 1713722 (VCV001713722.5), dbSNP rs2537986670, ClinGen allele CA372673216.
Genomic context (GRCh38, chr8:144,512,497, plus strand): 5'-GCACAGAGGCCAGCTCCCAGCCCATGGAGTCCACCAGCTTGACCATGTCAAACTCCACGG[A>T]GCTGCTGCCTTGCCCTGGGTCCTCAGGCAGCTGCTGGGCCAAGCACACAGCCAAAGGGGG-3'
Protein context (NP_004251.4, residues 974-994): LPEDPGQGSS[Ser984Thr]VEFDMVKLVD